The following is an entry in ClinVar:

ClinVar aggregate classification (germline): Likely pathogenic (1 of 4 stars; one submission).

Conditions:
alpha Thalassemia. Also called: Alpha thalassemia spectrum. Identifiers: Orphanet 846, MedGen C0002312, MONDO:0011399, OMIM 604131.

Submission:

Natera, Inc.
Classification: Likely pathogenic for Alpha thalassemia. Last evaluated: 2025-12-17. Review status: criteria provided, single submitter. Criteria: Natera Variant Classification Schema (03/2026). Collection method: clinical testing. Allele origin: germline.
Comment: The c.254_273del variant in HBA2 is a frameshift variant predicted to elongate the protein beyond the termination codon. This variant is expected to result in nonsense mediated decay, truncation, or a dysfunctional protein product. This variant is rare in the general population with a frequency below the threshold expected for the associated phenotype(s). Given the available evidence, this variant is classified as Likely Pathogenic.

NM_000517.6(HBA2):c.254_273del (p.Ser85fs)

Genes: HBA2 (hemoglobin subunit alpha 2; plus strand), LOC106804612 (hemoglobin subunit alpha 2 recombination region; plus strand). Cytogenetic location: 16p13.3.
Variant type: Deletion.
Coding change: c.254_273del on transcript NM_000517.6 (MANE Select); coding-DNA positions 254 to 273, 20 bases deleted (GCGACCTGCACGCGCACAAG).
Protein change: p.Ser85fs; shifts the reading frame from serine 85.
Molecular consequence: frameshift variant.
Genome position (GRCh38, 1-based): chr16:173,283-173,302, GCGACCTGCACGCGCACAAG deleted. VCF-style (leftmost placement, unchanged base first): chr16-173282-AGCGACCTGCACGCGCACAAG-A. GRCh37 (hg19) VCF-style: chr16-223281-AGCGACCTGCACGCGCACAAG-A.
Other names: short protein forms S85fs.
Identifiers: ClinVar variation 4818650 (VCV004818650.1).